The following is an entry in ClinVar:

NM_004329.3(BMPR1A):c.1088T>C (p.Leu363Pro)

Gene: BMPR1A (bone morphogenetic protein receptor type 1A; plus strand). Cytogenetic location: 10q23.2.
Variant type: single nucleotide variant.
Coding change: c.1088T>C on transcript NM_004329.3 (MANE Select); coding-DNA position 1088, T replaced by C.
Protein change: p.Leu363Pro; replaces leucine 363 with proline.
Molecular consequence: missense variant. On other transcripts: non-coding transcript variant (3).
Genome position (GRCh38, 1-based): chr10:86,919,391, T>C. VCF-style: chr10-86919391-T-C. GRCh37 (hg19) VCF-style: chr10-88679148-T-C.
Other names: c.1163T>C, p.Leu388Pro (NM_001406559.1); c.1136T>C, p.Leu379Pro (NM_001406560.1); c.1004T>C, p.Leu335Pro (NM_001406584.1, NM_001406585.1, NM_001406586.1 and 2 more transcripts); c.746T>C, p.Leu249Pro (NM_001406589.1); c.1088T>C, p.Leu363Pro (NM_001406561.1, NM_001406562.1, NM_001406563.1 and 19 more transcripts); c.1082T>C, p.Leu361Pro (NM_001406583.1); short protein forms L361P, L335P, L249P, L363P, L379P, L388P.
Identifiers: ClinVar variation 3664353 (VCV003664353.2).
Genomic context (GRCh38, chr10:86,919,391, plus strand): 5'-GCCACCTGCACACAGAAATTTATGGCACCCAAGGAAAGCCCGCAATTGCTCATCGAGACC[T>C]AAAGAGCAAAAACATCCTCATCAAGAAAAATGGGAGTTGCTGCATTGCTGACCTGGGCCT-3'
Protein context (NP_004320.2, residues 353-373): QGKPAIAHRD[Leu363Pro]KSKNILIKKN

ClinVar aggregate classification (germline): Uncertain significance (1 of 4 stars; one submission).

Conditions:
Juvenile polyposis syndrome (JPS). Identifiers: Orphanet 2929, MedGen C0345893, MONDO:0017380, OMIM 174900.

Submission:

Labcorp Genetics (formerly Invitae), Labcorp
Classification: Uncertain significance for Juvenile polyposis syndrome. Last evaluated: 2024-09-03. Review status: criteria provided, single submitter. Criteria: Invitae Variant Classification Sherloc (09022015). Collection method: clinical testing. Allele origin: germline.
Comment: This sequence change replaces leucine, which is neutral and non-polar, with proline, which is neutral and non-polar, at codon 363 of the BMPR1A protein (p.Leu363Pro). This variant is not present in population databases (gnomAD no frequency). This variant has not been reported in the literature in individuals affected with BMPR1A-related conditions. Invitae Evidence Modeling of protein sequence and biophysical properties (such as structural, functional, and spatial information, amino acid conservation, physicochemical variation, residue mobility, and thermodynamic stability) has been performed for this missense variant. However, the output from this modeling did not meet the statistical confidence thresholds required to predict the impact of this variant on BMPR1A protein function. In summary, the available evidence is currently insufficient to determine the role of this variant in disease. Therefore, it has been classified as a Variant of Uncertain Significance.